The following is an entry in ClinVar:

ClinVar aggregate classification (germline): Uncertain significance (1 of 4 stars; one submission).

Conditions:
Hyperaldosteronism, familial, type IV (HALD4). Also called: FH IV; ALDOSTERONISM, PRIMARY, AND HYPERTENSION. Identifiers: Orphanet 642671, MedGen C4310756, MONDO:0014875, OMIM 617027.
Idiopathic generalized epilepsy. Also called: EIG; Generalised epilepsy. Identifiers: MedGen C0270850, MONDO:0005579, OMIM 600669.

Allele frequency attached by ClinVar (database versions not stated): ExAC 0.00001; gnomAD 0.00001.
gnomAD v4.1: 2 of 1,611,860 alleles (0.00012%); highest among the groups gnomAD compares: East Asian, 0.0045%; no homozygotes.

Submission:

Labcorp Genetics (formerly Invitae), Labcorp
Classification: Uncertain significance for Idiopathic generalized epilepsy; Hyperaldosteronism, familial, type IV. Last evaluated: 2023-10-17. Review status: criteria provided, single submitter. Criteria: Invitae Variant Classification Sherloc (09022015). Collection method: clinical testing. Allele origin: germline.
Comment: This sequence change replaces cysteine, which is neutral and slightly polar, with phenylalanine, which is neutral and non-polar, at codon 1628 of the CACNA1H protein (p.Cys1628Phe). This variant is present in population databases (rs778717934, gnomAD 0.03%). This variant has not been reported in the literature in individuals affected with CACNA1H-related conditions. Advanced modeling of protein sequence and biophysical properties (such as structural, functional, and spatial information, amino acid conservation, physicochemical variation, residue mobility, and thermodynamic stability) performed at Invitae indicates that this missense variant is not expected to disrupt CACNA1H protein function. In summary, the available evidence is currently insufficient to determine the role of this variant in disease. Therefore, it has been classified as a Variant of Uncertain Significance.

NM_021098.3(CACNA1H):c.4883G>T (p.Cys1628Phe)

Gene: CACNA1H (calcium voltage-gated channel subunit alpha1 H; plus strand). Cytogenetic location: 16p13.3.
Variant type: single nucleotide variant.
Coding change: c.4883G>T on transcript NM_021098.3 (MANE Select); coding-DNA position 4883, G replaced by T.
Protein change: p.Cys1628Phe; replaces cysteine 1628 with phenylalanine.
Molecular consequence: missense variant.
Genome position (GRCh38, 1-based): chr16:1,213,885, G>T. VCF-style: chr16-1213885-G-T. GRCh37 (hg19) VCF-style: chr16-1263885-G-T.
Other names: c.4865G>T, p.Cys1622Phe (NM_001005407.2); short protein forms C1622F, C1628F.
Identifiers: ClinVar variation 2939278 (VCV002939278.3), dbSNP rs778717934, ClinGen allele CA7801653.
Genomic context (GRCh38, chr16:1,213,885, plus strand): 5'-GCTCCATTCACTCGCTGTGCACCAGCCACTATCTCGACCTCTTCATCACCTTCATCATCT[G>T]TGTCAACGTCATCACCATGTCCATGGAGCACTATAACCAACCCAAGGTGGGTGCGAGGGG-3'
Protein context (NP_066921.2, residues 1618-1638): YLDLFITFII[Cys1628Phe]VNVITMSMEH